The following is an entry in ClinVar:

ClinVar aggregate classification (germline): Uncertain significance (1 of 4 stars; one submission).

Conditions:
Combined malonic and methylmalonic acidemia. Identifiers: Orphanet 289504, MedGen C3280314, MONDO:0013661, OMIM 614265.

Allele frequency attached by ClinVar (database versions not stated): gnomAD exomes below 0.00001; TOPMed 0.00001; ExAC 0.00002.
gnomAD v4.1: 5 of 1,408,690 alleles (0.00035%); highest among the groups gnomAD compares: Admixed American, 0.0067%; no homozygotes.

Submission:

Labcorp Genetics (formerly Invitae), Labcorp
Classification: Uncertain significance for Combined malonic and methylmalonic acidemia. Last evaluated: 2022-07-21. Review status: criteria provided, single submitter. Criteria: Invitae Variant Classification Sherloc (09022015). Collection method: clinical testing. Allele origin: germline.
Comment: This sequence change replaces aspartic acid, which is acidic and polar, with glutamic acid, which is acidic and polar, at codon 305 of the ACSF3 protein (p.Asp305Glu). This variant is present in population databases (rs765321738, gnomAD 0.006%). This variant has not been reported in the literature in individuals affected with ACSF3-related conditions. Algorithms developed to predict the effect of missense changes on protein structure and function (SIFT, PolyPhen-2, Align-GVGD) all suggest that this variant is likely to be tolerated. In summary, the available evidence is currently insufficient to determine the role of this variant in disease. Therefore, it has been classified as a Variant of Uncertain Significance.

NM_001243279.3(ACSF3):c.915C>G (p.Asp305Glu)

Gene: ACSF3 (acyl-CoA synthetase family member 3; plus strand). Cytogenetic location: 16q24.3.
Variant type: single nucleotide variant.
Coding change: c.915C>G on transcript NM_001243279.3 (MANE Select); coding-DNA position 915, C replaced by G.
Protein change: p.Asp305Glu; replaces aspartic acid 305 with glutamic acid.
Molecular consequence: missense variant. On other transcripts: non-coding transcript variant (3).
Genome position (GRCh38, 1-based): chr16:89,112,184, C>G. VCF-style: chr16-89112184-C-G. GRCh37 (hg19) VCF-style: chr16-89178592-C-G.
Other names: c.915C>G, p.Asp305Glu (NM_001127214.4, NM_174917.5); c.120C>G, p.Asp40Glu (NM_001284316.2); short protein forms D40E, D305E.
Identifiers: ClinVar variation 2081348 (VCV002081348.1), dbSNP rs765321738, ClinGen allele CA8237882.